The following is an entry in ClinVar:

ClinVar aggregate classification (germline): Pathogenic. Review status: criteria provided, single submitter (1 of 4 stars). 2 submissions from 2 submitters: Pathogenic (1). 1 of the submissions does not count toward it. Last evaluated 2023-11-11.

Conditions:
Pulmonary hypertension, primary, 1 (PPH1). Also called: Pulmonary hypertension, familial primary, 1, with or without HHT. Identifiers: Orphanet 422, MedGen C4552070, MONDO:0024533, OMIM 178600.
Primary pulmonary hypertension. Also called: Idiopathic pulmonary hypertension. Identifiers: MedGen C0152171.

Submissions (2):

Labcorp Genetics (formerly Invitae), Labcorp
Classification: Pathogenic for Primary pulmonary hypertension. Last evaluated: 2023-11-11. Review status: criteria provided, single submitter. Criteria: Invitae Variant Classification Sherloc (09022015). Collection method: clinical testing. Allele origin: germline.
Comment: This sequence change creates a premature translational stop signal (p.Asn764Lysfs*49) in the BMPR2 gene. It is expected to result in an absent or disrupted protein product. Loss-of-function variants in BMPR2 are known to be pathogenic (PMID: 16429395). This variant is not present in population databases (gnomAD no frequency). This premature translational stop signal has been observed in individual(s) with pulmonary hypertension (PMID: 11115378). This variant is also known as 2292insA (N764fs). ClinVar contains an entry for this variant (Variation ID: 425977). For these reasons, this variant has been classified as Pathogenic.

Rare Disease Genomics Group, St George's University of London
Classification: Pathogenic for Primary pulmonary hypertension. Review status: no assertion criteria provided. Collection method: literature only. Allele origin: germline. Affected: yes. Not counted in ClinVar's aggregate classification.

Literature cited by the submitters: PubMed 16429395 (cited by Labcorp Genetics (formerly Invitae), Labcorp); PubMed 11115378 (cited by Labcorp Genetics (formerly Invitae), Labcorp and Rare Disease Genomics Group, St George's University of London); PubMed 26387786 (cited by Rare Disease Genomics Group, St George's University of London).

NM_001204.7(BMPR2):c.2291dup (p.Asn764fs)

Gene: BMPR2 (bone morphogenetic protein receptor type 2; plus strand). Cytogenetic location: 2q33.2.
Variant type: Duplication.
Coding change: c.2291dup on transcript NM_001204.7 (MANE Select); coding-DNA position 2291, one base duplicated (A; older notation c.2291dupA).
Protein change: p.Asn764fs; shifts the reading frame from asparagine 764.
Molecular consequence: frameshift variant.
Genome position (GRCh38, 1-based): chr2:202,555,956, A duplicated; the last of 5 consecutive A bases (chr2:202,555,952-202,555,956); duplicating any one gives the same sequence. VCF-style (leftmost placement, unchanged base first): chr2-202555951-C-CA. GRCh37 (hg19) VCF-style: chr2-203420674-C-CA.
Other names: c.2291dup, p.N764Kfs*49 (LRG_712t1); c.2291dupA (NM_001204.6); short protein forms N764fs.
Identifiers: ClinVar variation 425977 (VCV000425977.4), dbSNP rs1085307377, ClinGen allele CA645293943.